The following is an entry in ClinVar:

ClinVar aggregate classification (germline): Uncertain significance (1 of 4 stars; one submission).

Conditions:
Hypertrophic cardiomyopathy. Also called: HYPERTROPHIC MYOCARDIOPATHY. Identifiers: Orphanet 217569, MedGen C0007194, MeSH D002312, MONDO:0005045, HP:0001639.

Submission:

Labcorp Genetics (formerly Invitae), Labcorp
Classification: Uncertain significance for Hypertrophic cardiomyopathy. Last evaluated: 2018-10-24. Review status: criteria provided, single submitter. Criteria: Invitae Variant Classification Sherloc (09022015). Collection method: clinical testing. Allele origin: germline.
Comment: In summary, the available evidence is currently insufficient to determine the role of this variant in disease. Therefore, it has been classified as a Variant of Uncertain Significance. This variant is found within a region of MYH7 between codons 181 and 937 that contains the majority of the myosin head domain. Missense variants in this region have been shown to be significantly overrepresented in individuals with hypertrophic cardiomyopathy (PMID: 27532257). Algorithms developed to predict the effect of missense changes on protein structure and function are either unavailable or do not agree on the potential impact of this missense change (SIFT: "Deleterious"; PolyPhen-2: "Possibly Damaging"; Align-GVGD: "Class C15"). This variant has not been reported in the literature in individuals with MYH7-related disease. This variant is not present in population databases (ExAC no frequency). This sequence change replaces phenylalanine with isoleucine at codon 494 of the MYH7 protein (p.Phe494Ile). The phenylalanine residue is highly conserved and there is a small physicochemical difference between phenylalanine and isoleucine.

Literature cited by the submitters: PubMed 27532257.

NM_000257.4(MYH7):c.1480T>A (p.Phe494Ile)

Gene: MYH7 (myosin heavy chain 7; minus strand). Cytogenetic location: 14q11.2.
Variant type: single nucleotide variant.
Coding change: c.1480T>A on transcript NM_000257.4 (MANE Select); coding-DNA position 1480, T replaced by A.
Protein change: p.Phe494Ile; replaces phenylalanine 494 with isoleucine.
Molecular consequence: missense variant.
Genome position (GRCh38, 1-based): chr14:23,428,598, A>T on the plus strand (T>A on the coding strand, the complement: MYH7 is on the minus strand). VCF-style: chr14-23428598-A-T. GRCh37 (hg19) VCF-style: chr14-23897807-A-T.
Other names: short protein forms F494I.
Identifiers: ClinVar variation 642334 (VCV000642334.8), dbSNP rs1595086294, ClinGen allele CA389050504.
Genomic context (GRCh38, chr14:23,428,598, plus strand): 5'-CAAAGTCAATGAATGTCCACTCGATGCCCTCCTTCTTGTACTCCTCCTGCTCCAGCACAA[A>T]CATGTGGTGGTTGAAGAACTGCTGCAGCTTCTCGTTGGTGAAGTTGATGCAGAGCTGCTC-3'
Protein context (NP_000248.2, residues 484-504): KLQQFFNHHM[Phe494Ile]VLEQEEYKKE